The following is an entry in ClinVar:

NM_000217.3(KCNA1):c.*127A>C

Gene: KCNA1 (potassium voltage-gated channel subfamily A member 1; plus strand). Cytogenetic location: 12p13.32.
Variant type: single nucleotide variant.
Coding change: c.*127A>C on transcript NM_000217.3 (MANE Select); 127 bases downstream of the stop codon, A replaced by C.
Molecular consequence: 3 prime UTR variant.
Genome position (GRCh38, 1-based): chr12:4,912,993, A>C. VCF-style: chr12-4912993-A-C. GRCh37 (hg19) VCF-style: chr12-5022159-A-C.
Identifiers: ClinVar variation 309150 (VCV000309150.6), dbSNP rs116918891, ClinGen allele CA10642497.

ClinVar aggregate classification (germline): Benign (1 of 4 stars; one submission).

Conditions:
Episodic ataxia type 1 (EA1). Also called: ATAXIA, EPISODIC, WITH MYOKYMIA; MYOKYMIA WITH PERIODIC ATAXIA; PAROXYSMAL ATAXIA WITH NEUROMYOTONIA, HEREDITARY; Episodic ataxia/myokymia syndrome. Identifiers: Orphanet 37612, Orphanet 972, MedGen C1719788, MONDO:0008047, OMIM 160120.

Allele frequency attached by ClinVar (database versions not stated): 1000 Genomes Project 0.00200; 1000 Genomes Project 30x 0.00234; TOPMed 0.00403; gnomAD 0.00465 and 0.00476.

Submission:

Illumina Laboratory Services, Illumina
Classification: Benign for Episodic ataxia type 1. Last evaluated: 2018-01-13. Review status: criteria provided, single submitter. Criteria: ICSL Variant Classification Criteria 13 December 2019. Collection method: clinical testing. Allele origin: germline.
Comment: This variant was observed in the ICSL laboratory as part of a predisposition screen in an ostensibly healthy population. It had not been previously curated by ICSL or reported in the Human Gene Mutation Database (HGMD: prior to June 1st, 2018), and was therefore a candidate for classification through an automated scoring system. Utilizing variant allele frequency, disease prevalence and penetrance estimates, and inheritance mode, an automated score was calculated to assess if this variant is too frequent to cause the disease. Based on the score and internal cut-off values, a variant classified as benign is not then subjected to further curation. The score for this variant resulted in a classification of benign for this disease.